The following is an entry in ClinVar:

NM_133510.4(RAD51B):c.332G>T (p.Gly111Val)

Gene: RAD51B (RAD51 paralog B; plus strand). Cytogenetic location: 14q24.1.
Variant type: single nucleotide variant.
Coding change: c.332G>T on transcript NM_133510.4 (MANE Select); coding-DNA position 332, G replaced by T.
Protein change: p.Gly111Val; replaces glycine 111 with valine.
Molecular consequence: missense variant. On other transcripts: 5 prime UTR variant (1).
Genome position (GRCh38, 1-based): chr14:67,865,019, G>T. VCF-style: chr14-67865019-G-T. GRCh37 (hg19) VCF-style: chr14-68331736-G-T.
Other names: c.332G>T, p.Gly111Val (NM_001321809.2, NM_001321810.2, NM_001321812.1 and 6 more transcripts); c.218G>T, p.Gly73Val (NM_001321815.1); c.-26G>T (NM_001321817.2); short protein forms G111V, G73V.
Identifiers: ClinVar variation 3429676 (VCV003429676.1).

ClinVar aggregate classification (germline): Uncertain significance (1 of 4 stars; one submission).

Submission:

Ambry Genetics
Classification: Uncertain significance. Last evaluated: 2024-12-08. Review status: criteria provided, single submitter. Criteria: Ambry Variant Classification Scheme 2023. Collection method: clinical testing. Allele origin: germline.
Comment: The p.G111V variant (also known as c.332G>T), located in coding exon 4 of the RAD51B gene, results from a G to T substitution at nucleotide position 332. The glycine at codon 111 is replaced by valine, an amino acid with dissimilar properties. This amino acid position is conserved. In addition, this alteration is predicted to be deleterious by in silico analysis. Based on the available evidence, the clinical significance of this variant remains unclear.